The following is an entry in ClinVar:

NM_004667.6(HERC2):c.13488A>T (p.Gly4496=)

Gene: HERC2 (HECT and RLD domain containing E3 ubiquitin protein ligase 2; minus strand). Cytogenetic location: 15q13.1.
Variant type: single nucleotide variant.
Coding change: c.13488A>T on transcript NM_004667.6 (MANE Select); coding-DNA position 13488, A replaced by T.
Protein change: p.Gly4496=; no amino-acid change (glycine 4496 retained).
Molecular consequence: synonymous variant.
Genome position (GRCh38, 1-based): chr15:28,116,786, T>A on the plus strand (A>T on the coding strand, the complement: HERC2 is on the minus strand). VCF-style: chr15-28116786-T-A. GRCh37 (hg19) VCF-style: chr15-28361932-T-A.
Identifiers: ClinVar variation 3027004 (VCV003027004.22), dbSNP rs2548758425, ClinGen allele CA489234552.
Genomic context (GRCh38, chr15:28,116,786, plus strand): 5'-GTCTCGGTTGGCCCCAGACTCATCCCTCCCGTTGGGTGTCACGATCAGCAGGGGCGTGAG[T>A]CCGTTCTGCAGCTCCTCACAGATCTCAGCTATGGACTCGCTGTAGCCGCCCCCACAGTCA-3'
Protein context (NP_004658.3, residues 4486-4506): IAEICEELQN[Gly4496=]LTPLLIVTPN

ClinVar aggregate classification (germline): Likely benign (1 of 4 stars; one submission).

Submission:

CeGaT Center for Human Genetics Tuebingen
Classification: Likely benign. Last evaluated: 2024-01-01. Review status: criteria provided, single submitter. Criteria: CeGaT Center For Human Genetics Tuebingen Variant Classification Criteria Version 2. Collection method: clinical testing. Allele origin: germline. Affected: yes. Observed: 1 variant allele.
Comment: HERC2: PM2:Supporting, BP4, BP7